The following is an entry in ClinVar:

ClinVar aggregate classification (germline): Likely benign. Review status: criteria provided, single submitter (1 of 4 stars). 2 submissions from 2 submitters: Likely benign (1). 1 of the submissions does not count toward it. Last evaluated 2024-10-08.

Conditions:
ACO2-related disorder. Also called: ACO2-Related Disorders.

Allele frequency attached by ClinVar (database versions not stated): gnomAD exomes below 0.00001.

Submissions (2):

Labcorp Genetics (formerly Invitae), Labcorp
Classification: Likely benign. Last evaluated: 2024-10-08. Review status: criteria provided, single submitter. Criteria: Invitae Variant Classification Sherloc (09022015). Collection method: clinical testing. Allele origin: germline.

PreventionGenetics, part of Exact Sciences
Classification: Uncertain significance for ACO2-related condition. Last evaluated: 2023-12-23. Review status: no assertion criteria provided. Collection method: clinical testing. Allele origin: germline. Not counted in ClinVar's aggregate classification.
Comment: The ACO2 c.354G>A variant is not predicted to result in an amino acid change (p.=). This variant is predicted to strengthen a cryptic splice donor site (Alamut Visual Plus v1.6.1). To our knowledge, this variant has not been reported in the literature. This variant is reported in 0.00088% of alleles in individuals of European (Non-Finnish) descent in gnomAD. At this time, the clinical significance of this variant is uncertain due to the absence of conclusive functional and genetic evidence.

NM_001098.3(ACO2):c.354G>A (p.Val118=)

Gene: ACO2 (aconitase 2; plus strand). Cytogenetic location: 22q13.2.
Variant type: single nucleotide variant.
Coding change: c.354G>A on transcript NM_001098.3 (MANE Select); coding-DNA position 354, G replaced by A.
Protein change: p.Val118=; no amino-acid change (valine 118 retained).
Molecular consequence: synonymous variant.
Genome position (GRCh38, 1-based): chr22:41,507,971, G>A. VCF-style: chr22-41507971-G-A. GRCh37 (hg19) VCF-style: chr22-41903975-G-A.
Identifiers: ClinVar variation 3051288 (VCV003051288.4), dbSNP rs1417289842, ClinGen allele CA514650055.